The following is an entry in ClinVar:

NM_000017.4(ACADS):c.47-2A>C

Gene: ACADS (acyl-CoA dehydrogenase short chain; plus strand). Cytogenetic location: 12q24.31.
Variant type: single nucleotide variant.
Coding change: c.47-2A>C on transcript NM_000017.4 (MANE Select); the canonical splice acceptor site of the intron before coding-DNA position 47, A replaced by C.
Molecular consequence: splice acceptor variant.
Genome position (GRCh38, 1-based): chr12:120,727,024, A>C. VCF-style: chr12-120727024-A-C. GRCh37 (hg19) VCF-style: chr12-121164827-A-C.
Other names: c.47-2A>C (NM_001302554.2).
Identifiers: ClinVar variation 1415577 (VCV001415577.8), dbSNP rs770646738, ClinGen allele CA6830749.

ClinVar aggregate classification (germline): Likely pathogenic (1 of 4 stars; one submission).

Conditions:
Deficiency of butyryl-CoA dehydrogenase (ACADSD). Also called: ACYL-CoA DEHYDROGENASE, SHORT-CHAIN, DEFICIENCY OF; SCADH DEFICIENCY; SCAD DEFICIENCY, MILD; SCAD Deficiency; ACADS DEFICIENCY; Short-Chain Acyl-CoA Dehydrogenase Deficiency. Identifiers: Orphanet 26792, MedGen C0342783, MONDO:0008722, OMIM 201470. Disease mechanism: May be benign.

Allele frequency attached by ClinVar (database versions not stated): gnomAD exomes below 0.00001; ExAC 0.00001.
gnomAD v4.1: 4 of 1,614,114 alleles (0.00025%); highest among the groups gnomAD compares: Non-Finnish European, 0.00025%; no homozygotes.

Submission:

Labcorp Genetics (formerly Invitae), Labcorp
Classification: Likely pathogenic for Deficiency of butyryl-CoA dehydrogenase. Last evaluated: 2022-09-19. Review status: criteria provided, single submitter. Criteria: Invitae Variant Classification Sherloc (09022015). Collection method: clinical testing. Allele origin: germline.
Comment: This variant has not been reported in the literature in individuals affected with ACADS-related conditions. ClinVar contains an entry for this variant (Variation ID: 1415577). Algorithms developed to predict the effect of sequence changes on RNA splicing suggest that this variant may disrupt the consensus splice site. In summary, the currently available evidence indicates that the variant is pathogenic, but additional data are needed to prove that conclusively. Therefore, this variant has been classified as Likely Pathogenic. This sequence change affects an acceptor splice site in intron 1 of the ACADS gene. It is expected to disrupt RNA splicing. Variants that disrupt the donor or acceptor splice site typically lead to a loss of protein function (PMID: 16199547), and loss-of-function variants in ACADS are known to be pathogenic (PMID: 12736383, 18523805). This variant is present in population databases (rs770646738, gnomAD 0.0009%).

Literature cited by the submitters: PubMed 16199547; PubMed 12736383; PubMed 18523805.